The following is an entry in ClinVar:

ClinVar aggregate classification (germline): Uncertain significance. Review status: criteria provided, multiple submitters, no conflicts (2 of 4 stars). 2 submissions from 2 submitters: Uncertain significance (2). Last evaluated 2024-10-16.

Conditions:
Ataxia-telangiectasia syndrome (AT). Also called: Ataxia telangiectasia (A-T); LOUIS-BAR SYNDROME; Cerebello-oculocutaneous telangiectasia; Immunodeficiency with ataxia telangiectasia; Ataxia-telangiectasia, complementation group D; AT, COMPLEMENTATION GROUP C. Identifiers: Orphanet 100, MedGen C0004135, MONDO:0008840, OMIM 208900.
Hereditary cancer-predisposing syndrome. Also called: Hereditary neoplastic syndrome; Neoplastic Syndromes, Hereditary; Tumor predisposition; Hereditary Cancer Syndrome. Identifiers: Orphanet 140162, MedGen C0027672, MeSH D009386, MONDO:0015356.

Submissions (2):

Labcorp Genetics (formerly Invitae), Labcorp
Classification: Uncertain significance for Ataxia-telangiectasia syndrome. Last evaluated: 2024-10-16. Review status: criteria provided, single submitter. Criteria: Invitae Variant Classification Sherloc (09022015). Collection method: clinical testing. Allele origin: germline.
Comment: This sequence change replaces lysine, which is basic and polar, with asparagine, which is neutral and polar, at codon 2687 of the ATM protein (p.Lys2687Asn). This variant is not present in population databases (gnomAD no frequency). This variant has not been reported in the literature in individuals affected with ATM-related conditions. ClinVar contains an entry for this variant (Variation ID: 1761847). Invitae Evidence Modeling of protein sequence and biophysical properties (such as structural, functional, and spatial information, amino acid conservation, physicochemical variation, residue mobility, and thermodynamic stability) indicates that this missense variant is not expected to disrupt ATM protein function with a negative predictive value of 95%. In summary, the available evidence is currently insufficient to determine the role of this variant in disease. Therefore, it has been classified as a Variant of Uncertain Significance.

Ambry Genetics
Classification: Uncertain significance for Hereditary cancer-predisposing syndrome. Last evaluated: 2020-12-16. Review status: criteria provided, single submitter. Criteria: Ambry Variant Classification Scheme 2023. Collection method: clinical testing. Allele origin: germline.
Comment: The p.K2687N variant (also known as c.8061A>C), located in coding exon 54 of the ATM gene, results from an A to C substitution at nucleotide position 8061. The lysine at codon 2687 is replaced by asparagine, an amino acid with similar properties. This amino acid position is well conserved in available vertebrate species. In addition, this alteration is predicted to be tolerated by in silico analysis. Since supporting evidence is limited at this time, the clinical significance of this alteration remains unclear.

NM_000051.4(ATM):c.8061A>C (p.Lys2687Asn)

Genes: C11orf65 (chromosome 11 open reading frame 65; minus strand), ATM (ATM serine/threonine kinase; plus strand). Cytogenetic location: 11q22.3.
Variant type: single nucleotide variant.
Coding change: c.8061A>C on transcript NM_000051.4 (MANE Select); coding-DNA position 8061, A replaced by C.
Protein change: p.Lys2687Asn; replaces lysine 2687 with asparagine.
Molecular consequence: missense variant. On other transcripts: intron variant (2).
Genome position (GRCh38, 1-based): chr11:108,335,019, A>C. VCF-style: chr11-108335019-A-C. GRCh37 (hg19) VCF-style: chr11-108205746-A-C.
Other names: c.8061A>C, p.Lys2687Asn (NM_001351834.2); c.641-25948T>G (NM_001330368.2); c.*38+201T>G (NM_001351110.2); short protein forms K2687N.
Identifiers: ClinVar variation 1761847 (VCV001761847.4), dbSNP rs2086676600, ClinGen allele CA382561964.
Genomic context (GRCh38, chr11:108,335,019, plus strand): 5'-CTTTTATTAGGTGGACCACACAGGAGAATATGGAAATCTGGTGACTATACAGTCATTTAA[A>C]GCAGAATTTCGCTTAGCAGGAGGTGTAAATTTACCAAAAATAATAGATTGTGTAGGTTCC-3'
Protein context (NP_000042.3, residues 2677-2697): YGNLVTIQSF[Lys2687Asn]AEFRLAGGVN